The following is an entry in ClinVar:

NM_001205293.3(CACNA1E):c.4352T>C (p.Ile1451Thr)

Gene: CACNA1E (calcium voltage-gated channel subunit alpha1 E; plus strand). Cytogenetic location: 1q25.3.
Variant type: single nucleotide variant.
Coding change: c.4352T>C on transcript NM_001205293.3 (MANE Select); coding-DNA position 4352, T replaced by C.
Protein change: p.Ile1451Thr; replaces isoleucine 1451 with threonine.
Molecular consequence: missense variant.
Genome position (GRCh38, 1-based): chr1:181,757,969, T>C. VCF-style: chr1-181757969-T-C. GRCh37 (hg19) VCF-style: chr1-181727105-T-C.
Other names: c.4352T>C, p.Ile1451Thr (NM_000721.4); c.4295T>C, p.Ile1432Thr (NM_001205294.2); short protein forms I1432T, I1451T.
Identifiers: ClinVar variation 3777602 (VCV003777602.2).

ClinVar aggregate classification (germline): Likely pathogenic (1 of 4 stars; one submission).

Submission:

GeneDx
Classification: Likely pathogenic. Last evaluated: 2025-10-29. Review status: criteria provided, single submitter. Criteria: GeneDx Variant Classification Process June 2021. Collection method: clinical testing. Allele origin: germline.
Comment: Not observed at significant frequency in large population cohorts (gnomAD); In silico analysis supports that this missense variant has a deleterious effect on protein structure/function; Has not been previously published as pathogenic or benign to our knowledge